The following is an entry in ClinVar:

ClinVar aggregate classification (germline): Benign. Review status: criteria provided, multiple submitters, no conflicts (2 of 4 stars). 3 submissions from 3 submitters: Benign (2). 1 of the submissions does not count toward it. Last evaluated 2019-12-31.

Conditions:
CNTNAP5-related disorder. Also called: CNTNAP5-related condition.

Allele frequency attached by ClinVar (database versions not stated): 1000 Genomes Project 30x 0.00453; 1000 Genomes Project 0.00479; gnomAD 0.00789 and 0.00800; gnomAD exomes 0.00790 and 0.01015; TOPMed 0.00790; ExAC 0.00791; ESP Exome Variant Server 0.00798.
gnomAD v4.1: 16,090 of 1,613,724 alleles (1%); highest among the groups gnomAD compares: Middle Eastern, 2.6%; 110 homozygotes.

Submissions (3):

Labcorp Genetics (formerly Invitae), Labcorp
Classification: Benign. Last evaluated: 2019-12-31. Review status: criteria provided, single submitter. Criteria: Invitae Variant Classification Sherloc (09022015). Collection method: clinical testing. Allele origin: germline.

Breakthrough Genomics
Classification: Benign. Review status: criteria provided, single submitter. Criteria: ACMG Guidelines, 2015. Collection method: not provided. Allele origin: germline. Inheritance: Unknown mechanism. Affected: yes.

PreventionGenetics, part of Exact Sciences
Classification: Benign for CNTNAP5-related condition. Last evaluated: 2019-02-28. Review status: no assertion criteria provided. Collection method: clinical testing. Allele origin: germline. Not counted in ClinVar's aggregate classification.
Comment: This variant is classified as benign based on ACMG/AMP sequence variant interpretation guidelines (Richards et al. 2015 PMID: 25741868, with internal and published modifications).

NM_001367498.1(CNTNAP5):c.2153T>C (p.Val718Ala)

Gene: CNTNAP5 (contactin associated protein family member 5; plus strand). Cytogenetic location: 2q14.3.
Variant type: single nucleotide variant.
Coding change: c.2153T>C on transcript NM_001367498.1 (MANE Select); coding-DNA position 2153, T replaced by C.
Protein change: p.Val718Ala; replaces valine 718 with alanine.
Molecular consequence: missense variant.
Genome position (GRCh38, 1-based): chr2:124,747,304, T>C. VCF-style: chr2-124747304-T-C. GRCh37 (hg19) VCF-style: chr2-125504881-T-C.
Other names: c.2150T>C, p.Val717Ala (NM_130773.4); short protein forms V717A, V718A.
Identifiers: ClinVar variation 777957 (VCV000777957.7), dbSNP rs35085748, ClinGen allele CA1856116.